The following is an entry in ClinVar:

ClinVar aggregate classification (germline): Uncertain significance. Review status: criteria provided, multiple submitters, no conflicts (2 of 4 stars). 2 submissions from 2 submitters: Uncertain significance (2). Last evaluated 2025-03-18.

Allele frequency attached by ClinVar (database versions not stated): gnomAD exomes below 0.00001; TOPMed below 0.00001.
gnomAD v4.1: 2 of 1,614,106 alleles (0.00012%); highest among the groups gnomAD compares: Non-Finnish European, 0.00017%; no homozygotes.

Submissions (2):

Labcorp Genetics (formerly Invitae), Labcorp
Classification: Uncertain significance. Last evaluated: 2025-03-18. Review status: criteria provided, single submitter. Criteria: Invitae Variant Classification Sherloc (09022015). Collection method: clinical testing. Allele origin: germline.
Comment: This sequence change replaces arginine, which is basic and polar, with glutamine, which is neutral and polar, at codon 255 of the PPP2R5D protein (p.Arg255Gln). This variant is not present in population databases (gnomAD no frequency). This variant has not been reported in the literature in individuals affected with PPP2R5D-related conditions. ClinVar contains an entry for this variant (Variation ID: 1697040). An algorithm developed to predict the effect of missense changes on protein structure and function (PolyPhen-2) suggests that this variant is likely to be disruptive. In summary, the available evidence is currently insufficient to determine the role of this variant in disease. Therefore, it has been classified as a Variant of Uncertain Significance.

GeneDx
Classification: Uncertain significance. Last evaluated: 2022-01-14. Review status: criteria provided, single submitter. Criteria: GeneDx Variant Classification Process June 2021. Collection method: clinical testing. Allele origin: germline. Affected: yes.
Comment: Not observed at significant frequency in large population cohorts (gnomAD); In silico analysis supports that this missense variant has a deleterious effect on protein structure/function; Has not been previously published as pathogenic or benign to our knowledge

NM_006245.4(PPP2R5D):c.764G>A (p.Arg255Gln)

Gene: PPP2R5D (protein phosphatase 2 regulatory subunit B'delta; plus strand). Cytogenetic location: 6p21.1.
Variant type: single nucleotide variant.
Coding change: c.764G>A on transcript NM_006245.4 (MANE Select); coding-DNA position 764, G replaced by A.
Protein change: p.Arg255Gln; replaces arginine 255 with glutamine.
Molecular consequence: missense variant.
Genome position (GRCh38, 1-based): chr6:43,007,972, G>A. VCF-style: chr6-43007972-G-A. GRCh37 (hg19) VCF-style: chr6-42975710-G-A.
Other names: c.311G>A, p.Arg104Gln (NM_001270476.2); c.668G>A, p.Arg223Gln (NM_180976.3); c.446G>A, p.Arg149Gln (NM_180977.3); short protein forms R104Q, R149Q, R223Q, R255Q.
Identifiers: ClinVar variation 1697040 (VCV001697040.4), dbSNP rs1762179656, ClinGen allele CA364189277.